The following is an entry in ClinVar:

NM_000626.4(CD79B):c.329A>G (p.Gln110Arg)

Genes: CD79B (CD79b molecule; minus strand), GH-LCR (growth hormone locus control region; plus strand). Cytogenetic location: 17q23.3.
Variant type: single nucleotide variant.
Coding change: c.329A>G on transcript NM_000626.4 (MANE Select); coding-DNA position 329, A replaced by G.
Protein change: p.Gln110Arg; replaces glutamine 110 with arginine.
Molecular consequence: missense variant. On other transcripts: intron variant (2).
Genome position (GRCh38, 1-based): chr17:63,930,175, T>C on the plus strand (A>G on the coding strand, the complement: CD79B is on the minus strand). VCF-style: chr17-63930175-T-C. GRCh37 (hg19) VCF-style: chr17-62007535-T-C.
Other names: c.332A>G, p.Gln111Arg (NM_001039933.3); c.119-287A>G (NM_021602.4); c.122-287A>G (NM_001329050.2); short protein forms Q111R, Q110R.
Identifiers: ClinVar variation 1513156 (VCV001513156.6), dbSNP rs139707827, ClinGen allele CA8708583.
Genomic context (GRCh38, chr17:63,930,175, plus strand): 5'-GAGGTGTTGTTGCACTTCTGCTGACAGAAGTAGATGCCATTGTCCTCAAACCGGATGCCT[T>C]GGATGGTGAGGGTGGCGAGAGATTCGTTCTGGGACTCTTCCATGCGGCCCTTTTCCAGCT-3'
Protein context (NP_000617.1, residues 100-120): QNESLATLTI[Gln110Arg]GIRFEDNGIY

ClinVar aggregate classification (germline): Uncertain significance (1 of 4 stars; one submission).

Conditions:
Agammaglobulinemia 6, autosomal recessive (AGM6). Also called: AGAMMAGLOBULINEMIA 6; AGAMMAGLOBULINEMIA, AUTOSOMAL RECESSIVE, DUE TO CD79B DEFECT. Identifiers: MedGen C3150207, MONDO:0012987, OMIM 612692.

Allele frequency attached by ClinVar (database versions not stated): gnomAD exomes below 0.00001 and 0.00001; ExAC 0.00002; gnomAD 0.00003 and 0.00004; TOPMed 0.00003; ESP Exome Variant Server 0.00008.
gnomAD v4.1: 7 of 1,614,096 alleles (0.00043%); highest among the groups gnomAD compares: African/African-American, 0.0093%; no homozygotes.

Submission:

Labcorp Genetics (formerly Invitae), Labcorp
Classification: Uncertain significance for Agammaglobulinemia 6, autosomal recessive. Last evaluated: 2021-02-24. Review status: criteria provided, single submitter. Criteria: Invitae Variant Classification Sherloc (09022015). Collection method: clinical testing. Allele origin: germline.
Comment: This sequence change replaces glutamine with arginine at codon 110 of the CD79B protein (p.Gln110Arg). The glutamine residue is moderately conserved and there is a small physicochemical difference between glutamine and arginine. This variant is present in population databases (rs139707827, ExAC 0.02%). This variant has not been reported in the literature in individuals with CD79B-related conditions. Algorithms developed to predict the effect of missense changes on protein structure and function output the following: SIFT: "Not Available"; PolyPhen-2: "Benign"; Align-GVGD: "Not Available". The arginine amino acid residue is found in multiple mammalian species, suggesting that this missense change does not adversely affect protein function. These predictions have not been confirmed by published functional studies and their clinical significance is uncertain. In summary, the available evidence is currently insufficient to determine the role of this variant in disease. Therefore, it has been classified as a Variant of Uncertain Significance.